The following is an entry in ClinVar:

ClinVar aggregate classification (germline): Uncertain significance. Review status: criteria provided, multiple submitters, no conflicts (2 of 4 stars). 3 submissions from 3 submitters: Uncertain significance (3). Last evaluated 2023-11-01.

Conditions:
Cardiovascular phenotype. Identifiers: MedGen CN230736.
Duchenne muscular dystrophy (DMD). Also called: Duchenne Muscular Dystrophy (DMD); MUSCULAR DYSTROPHY, PSEUDOHYPERTROPHIC PROGRESSIVE, DUCHENNE TYPE. Identifiers: Orphanet 98896, MedGen C0013264, MONDO:0010679, OMIM 310200.

Submissions (3):

Labcorp Genetics (formerly Invitae), Labcorp
Classification: Uncertain significance for Duchenne muscular dystrophy. Last evaluated: 2023-11-01. Review status: criteria provided, single submitter. Criteria: Invitae Variant Classification Sherloc (09022015). Collection method: clinical testing. Allele origin: germline.
Comment: This sequence change replaces lysine, which is basic and polar, with arginine, which is basic and polar, at codon 494 of the DMD protein (p.Lys494Arg). This variant is not present in population databases (gnomAD no frequency). This variant has not been reported in the literature in individuals affected with DMD-related conditions. ClinVar contains an entry for this variant (Variation ID: 518865). An algorithm developed to predict the effect of missense changes on protein structure and function (PolyPhen-2) suggests that this variant is likely to be disruptive. In summary, the available evidence is currently insufficient to determine the role of this variant in disease. Therefore, it has been classified as a Variant of Uncertain Significance.

GeneDx
Classification: Uncertain significance. Last evaluated: 2019-05-09. Review status: criteria provided, single submitter. Criteria: GeneDx Variant Classification Process June 2021. Collection method: clinical testing. Allele origin: germline. Affected: yes.
Comment: Has not been previously published as pathogenic or benign to our knowledge; Not observed in large population cohorts (Lek et al., 2016); In silico analysis, which includes protein predictors and evolutionary conservation, supports that this variant does not alter protein structure/function

Ambry Genetics
Classification: Uncertain significance for Cardiovascular phenotype. Last evaluated: 2017-11-03. Review status: criteria provided, single submitter. Criteria: Ambry Variant Classification Scheme 2023. Collection method: clinical testing. Allele origin: germline.
Comment: The p.K494R variant (also known as c.1481A>G), located in coding exon 12 of the DMD gene, results from an A to G substitution at nucleotide position 1481. The lysine at codon 494 is replaced by arginine, an amino acid with highly similar properties. This amino acid position is highly conserved in available vertebrate species. In addition, this alteration is predicted to be tolerated by in silico analysis. Since supporting evidence is limited at this time, the clinical significance of this alteration remains unclear.

NM_004006.3(DMD):c.1481A>G (p.Lys494Arg)

Gene: DMD (dystrophin; minus strand). Cytogenetic location: Xp21.1.
Variant type: single nucleotide variant.
Coding change: c.1481A>G on transcript NM_004006.3 (MANE Select); coding-DNA position 1481, A replaced by G.
Protein change: p.Lys494Arg; replaces lysine 494 with arginine.
Molecular consequence: missense variant.
Genome position (GRCh38, 1-based): chrX:32,614,304, T>C on the plus strand (A>G on the coding strand, the complement: DMD is on the minus strand). VCF-style: chrX-32614304-T-C. GRCh37 (hg19) VCF-style: chrX-32632421-T-C.
Other names: c.1457A>G, p.Lys486Arg (NM_000109.4); c.1469A>G, p.Lys490Arg (NM_004009.3); c.1112A>G, p.Lys371Arg (NM_004010.3); short protein forms K494R, K486R, K371R, K490R.
Identifiers: ClinVar variation 518865 (VCV000518865.14), dbSNP rs1556853018, ClinGen allele CA412669690.
Genomic context (GRCh38, chrX:32,614,304, plus strand): 5'-AGGTACTATACACAGAGTTTGCTTTCTAGTAGAAAGCACGCAACATAAGATACACCTACC[T>C]TATGTTGTTGTACTTGGCGTTTTAGGTCTTCAAGATCAGGTCCAAGAGGCTCTTCCTCCA-3'
Protein context (NP_003997.2, residues 484-504): EDLKRQVQQH[Lys494Arg]VLQEDLEQEQ